The following is an entry in ClinVar:

ClinVar aggregate classification (germline): Uncertain significance. Review status: criteria provided, multiple submitters, no conflicts (2 of 4 stars). 2 submissions from 2 submitters: Uncertain significance (2). Last evaluated 2025-02-10.

Conditions:
Dyskeratosis congenita, autosomal dominant 2. Identifiers: MedGen C3151443, MONDO:0013521, OMIM 613989.
Idiopathic Pulmonary Fibrosis. Also called: Idiopathic fibrosing alveolitis, chronic form; idiopathic fibrosing alveolitis. Identifiers: Orphanet 2032, MedGen C1800706, MeSH D054990, MONDO:0800504.
Dyskeratosis congenita. Identifiers: Orphanet 1775, MedGen C0265965, MONDO:0015780.

Submissions (2):

Labcorp Genetics (formerly Invitae), Labcorp
Classification: Uncertain significance for Dyskeratosis congenita, autosomal dominant 2; Idiopathic Pulmonary Fibrosis. Last evaluated: 2025-02-10. Review status: criteria provided, single submitter. Criteria: Invitae Variant Classification Sherloc (09022015). Collection method: clinical testing. Allele origin: germline.
Comment: This sequence change replaces aspartic acid, which is acidic and polar, with glycine, which is neutral and non-polar, at codon 788 of the TERT protein (p.Asp788Gly). This variant is not present in population databases (gnomAD no frequency). This variant has not been reported in the literature in individuals affected with TERT-related conditions. ClinVar contains an entry for this variant (Variation ID: 1047529). Invitae Evidence Modeling of protein sequence and biophysical properties (such as structural, functional, and spatial information, amino acid conservation, physicochemical variation, residue mobility, and thermodynamic stability) indicates that this missense variant is expected to disrupt TERT protein function with a positive predictive value of 95%. In summary, the available evidence is currently insufficient to determine the role of this variant in disease. Therefore, it has been classified as a Variant of Uncertain Significance.

Ambry Genetics
Classification: Uncertain significance for Dyskeratosis congenita. Last evaluated: 2024-07-02. Review status: criteria provided, single submitter. Criteria: Ambry Variant Classification Scheme 2023. Collection method: clinical testing. Allele origin: germline.
Comment: The p.D788G variant (also known as c.2363A>G), located in coding exon 7 of the TERT gene, results from an A to G substitution at nucleotide position 2363. The aspartic acid at codon 788 is replaced by glycine, an amino acid with similar properties. This amino acid position is conserved. In addition, the in silico prediction for this alteration is inconclusive. Based on the available evidence, the clinical significance of this variant remains unclear.

NM_198253.3(TERT):c.2363A>G (p.Asp788Gly)

Gene: TERT (telomerase reverse transcriptase; minus strand). Cytogenetic location: 5p15.33.
Variant type: single nucleotide variant.
Coding change: c.2363A>G on transcript NM_198253.3 (MANE Select); coding-DNA position 2363, A replaced by G.
Protein change: p.Asp788Gly; replaces aspartic acid 788 with glycine.
Molecular consequence: missense variant.
Genome position (GRCh38, 1-based): chr5:1,272,204, T>C on the plus strand (A>G on the coding strand, the complement: TERT is on the minus strand). VCF-style: chr5-1272204-T-C. GRCh37 (hg19) VCF-style: chr5-1272319-T-C.
Other names: c.2363A>G, p.Asp788Gly (NM_001193376.3); c.2363A>G (NM_198253.2); short protein forms D788G.
Identifiers: ClinVar variation 1047529 (VCV001047529.10), dbSNP rs1749092135, ClinGen allele CA359076249.
Genomic context (GRCh38, chr5:1,272,204, plus strand): 5'-GCTGGGAGTCCGTGCCCAACCCTGCAGGGCAGTGCCCAGACCTGCTCGATGACGACGGCA[T>C]CCCTCAGCGGGCTGGTCTCCTGCAGGTGAGCCACGAACTGTCGCATGTACGGCTGGAGGT-3'
Protein context (NP_937983.2, residues 778-798): AHLQETSPLR[Asp788Gly]AVVIEQSSSL